The following is an entry in ClinVar:

ClinVar aggregate classification (germline): Uncertain significance (1 of 4 stars; one submission).

Conditions:
Hereditary cancer-predisposing syndrome. Also called: Neoplastic Syndromes, Hereditary; Tumor predisposition; Hereditary neoplastic syndrome; Hereditary Cancer Syndrome. Identifiers: Orphanet 140162, MedGen C0027672, MeSH D009386, MONDO:0015356.

gnomAD v4.1: 1 of 1,614,168 alleles (0.000062%); highest among the groups gnomAD compares: African/African-American, 0.0013%; no homozygotes.

Submission:

Ambry Genetics
Classification: Uncertain significance for Hereditary cancer-predisposing syndrome. Last evaluated: 2026-07-06. Review status: criteria provided, single submitter. Criteria: Ambry Variant Classification Scheme 2023. Collection method: clinical testing. Allele origin: germline.
Comment: The p.I875F variant (also known as c.2623A>T), located in coding exon 17 of the PTCH1 gene, results from an A to T substitution at nucleotide position 2623. The isoleucine at codon 875 is replaced by phenylalanine, an amino acid with highly similar properties. This amino acid position is conserved. In addition, the in silico prediction for this alteration is inconclusive. Based on the available evidence, the clinical significance of this variant remains unclear.

NM_000264.5(PTCH1):c.2821A>T (p.Ile941Phe)

Gene: PTCH1 (patched 1; minus strand). Cytogenetic location: 9q22.32.
Variant type: single nucleotide variant.
Coding change: c.2821A>T on transcript NM_000264.5 (MANE Select); coding-DNA position 2821, A replaced by T.
Protein change: p.Ile941Phe; replaces isoleucine 941 with phenylalanine.
Molecular consequence: missense variant. On other transcripts: non-coding transcript variant (1).
Genome position (GRCh38, 1-based): chr9:95,459,666, T>A on the plus strand (A>T on the coding strand, the complement: PTCH1 is on the minus strand). VCF-style: chr9-95459666-T-A. GRCh37 (hg19) VCF-style: chr9-98221948-T-A.
Other names: c.2623A>T, p.Ile875Phe (NM_001083602.3); c.2818A>T, p.Ile940Phe (NM_001083603.3); c.2368A>T, p.Ile790Phe (NM_001083604.3, NM_001083605.3, NM_001083606.3 and 1 more transcripts); c.2665A>T, p.Ile889Phe (NM_001354918.2); short protein forms I940F, I790F, I941F, I875F, I889F.
Identifiers: ClinVar variation 5027478 (VCV005027478.1).